The following is an entry in ClinVar:

NM_006208.3(ENPP1):c.1412A>G (p.Tyr471Cys)

Gene: ENPP1 (ectonucleotide pyrophosphatase/phosphodiesterase 1; plus strand). Cytogenetic location: 6q23.2.
Variant type: single nucleotide variant.
Coding change: c.1412A>G on transcript NM_006208.3 (MANE Select); coding-DNA position 1412, A replaced by G.
Protein change: p.Tyr471Cys; replaces tyrosine 471 with cysteine.
Molecular consequence: missense variant.
Genome position (GRCh38, 1-based): chr6:131,872,076, A>G. VCF-style: chr6-131872076-A-G. GRCh37 (hg19) VCF-style: chr6-132193216-A-G.
Other names: c.1412A>G (NM_006208.2); short protein forms Y471C.
Identifiers: ClinVar variation 2136472 (VCV002136472.8), dbSNP rs148462924, ClinGen allele CA4002208.
Genomic context (GRCh38, chr6:131,872,076, plus strand): 5'-GTTTTAATTATAGTATACAATCAACTATTAATTCTTATGTTTGTTCCCCTCCAGTTAACT[A>G]TGAAGGCATTGCCCGAAATCTTTCTGTGAGTATCTTTATTTTCCATTATCTAGTTATTTT-3'
Protein context (NP_006199.2, residues 461-481): DVPDKYYSFN[Tyr471Cys]EGIARNLSCR

ClinVar aggregate classification (germline): Pathogenic/Likely pathogenic. Review status: criteria provided, multiple submitters, no conflicts (2 of 4 stars). 4 submissions from 4 submitters: Pathogenic (3); Likely pathogenic (1). Last evaluated 2026-07-06.

Conditions:
ENPP1-related disorder. Also called: ENPP1-related disorders; ENPP1-related condition.

Allele frequency attached by ClinVar (database versions not stated): ExAC 0.00007; TOPMed 0.00009; gnomAD 0.00011; 1000 Genomes Project 30x 0.00016; 1000 Genomes Project 0.00020; ESP Exome Variant Server 0.00023.
gnomAD v4.1: 179 of 1,589,800 alleles (0.011%); highest among the groups gnomAD compares: Non-Finnish European, 0.014%; no homozygotes.

Submissions (4):

GeneDx
Classification: Pathogenic. Last evaluated: 2026-07-06. Review status: criteria provided, single submitter. Criteria: GeneDx Variant Classification Process June 2021. Collection method: clinical testing. Allele origin: germline.
Comment: Published functional studies demonstrate a damaging effect due to a significant reduction in enzymatic activity (PMID: 31805212, 27467858); In silico analysis suggests that this missense variant does not alter protein structure/function; This variant is associated with the following publications: (PMID: 20016754, 31805212, 27467858, 34906475, 29244957, 34199854, 35482848, 33005041, 39751914)

Women's Health and Genetics/Laboratory Corporation of America, LabCorp
Classification: Pathogenic for ENPP1-Related Disorders. Last evaluated: 2026-04-06. Review status: criteria provided, single submitter. Criteria: LabCorp Variant Classification Summary - May 2015. Collection method: clinical testing. Allele origin: germline.
Comment: Variant summary: ENPP1 c.1412A>G (p.Tyr471Cys) results in a non-conservative amino acid change in the encoded protein sequence. Algorithms developed to predict the effect of missense changes on protein structure and function are either unavailable or do not agree on the potential impact of this missense change. The variant allele was found at a frequency of 8.8e-05 in 249726 control chromosomes (gnomAD). This frequency is not significantly higher than estimated for disease-causing variants in ENPP1, allowing no conclusion about variant significance. c.1412A>G has been observed in multiple individuals affected with ENPP1-Related Disorders (e.g. Rutsch_2008, Stella_2016, Saeidian_2022). These data indicate that the variant is very likely to be associated with disease. At least one publication reports experimental evidence evaluating an impact on protein function. The most pronounced variant effect results in 30%-50% of normal activity (Stella_2016). The following publications have been ascertained in the context of this evaluation (PMID: 20016754, 27467858, 34906475). ClinVar contains an entry for this variant (Variation ID: 2136472). Based on the evidence outlined above, the variant was classified as pathogenic.

Labcorp Genetics (formerly Invitae), Labcorp
Classification: Pathogenic. Last evaluated: 2025-05-18. Review status: criteria provided, single submitter. Criteria: Invitae Variant Classification Sherloc (09022015). Collection method: clinical testing. Allele origin: germline.
Comment: This sequence change replaces tyrosine, which is neutral and polar, with cysteine, which is neutral and slightly polar, at codon 471 of the ENPP1 protein (p.Tyr471Cys). This variant is present in population databases (rs148462924, gnomAD 0.01%). This missense change has been observed in individuals with autosomal recessive generalized arterial calcification of infancy (PMID: 20016754, 29244957, 33005041, 34199854). ClinVar contains an entry for this variant (Variation ID: 2136472). Invitae Evidence Modeling of protein sequence and biophysical properties (such as structural, functional, and spatial information, amino acid conservation, physicochemical variation, residue mobility, and thermodynamic stability) indicates that this missense variant is expected to disrupt ENPP1 protein function with a positive predictive value of 80%. Experimental studies have shown that this missense change affects ENPP1 function (PMID: 27467858, 31805212). For these reasons, this variant has been classified as Pathogenic.

Blueprint Genetics
Classification: Likely pathogenic for ENPP1-related disorders. Last evaluated: 2024-04-29. Review status: criteria provided, single submitter. Criteria: ACMG Guidelines, 2015. Collection method: clinical testing. Allele origin: germline. Affected: yes. Observed: 5 variant alleles.

Literature cited by the submitters: PubMed 34906475 (cited by Women's Health and Genetics/Laboratory Corporation of America, LabCorp); PubMed 20016754 (cited by Women's Health and Genetics/Laboratory Corporation of America, LabCorp and Labcorp Genetics (formerly Invitae), Labcorp); PubMed 27467858 (cited by Women's Health and Genetics/Laboratory Corporation of America, LabCorp and Labcorp Genetics (formerly Invitae), Labcorp); PubMed 29244957 (cited by Labcorp Genetics (formerly Invitae), Labcorp); PubMed 33005041 (cited by Labcorp Genetics (formerly Invitae), Labcorp); PubMed 34199854 (cited by Labcorp Genetics (formerly Invitae), Labcorp); PubMed 31805212 (cited by Labcorp Genetics (formerly Invitae), Labcorp).